The following is an entry in ClinVar:

ClinVar aggregate classification (germline): Uncertain significance (1 of 4 stars; one submission).

gnomAD v4.1: 2 of 1,613,816 alleles (0.00012%); highest among the groups gnomAD compares: South Asian, 0.0011%; no homozygotes.

Submission:

Labcorp Genetics (formerly Invitae), Labcorp
Classification: Uncertain significance. Last evaluated: 2025-08-19. Review status: criteria provided, single submitter. Criteria: Invitae Variant Classification Sherloc (09022015). Collection method: clinical testing. Allele origin: germline.
Comment: This sequence change replaces proline, which is neutral and non-polar, with serine, which is neutral and polar, at codon 776 of the BACH2 protein (p.Pro776Ser). This variant is not present in population databases (gnomAD no frequency). This variant has not been reported in the literature in individuals affected with BACH2-related conditions. Invitae Evidence Modeling of protein sequence and biophysical properties (such as structural, functional, and spatial information, amino acid conservation, physicochemical variation, residue mobility, and thermodynamic stability) indicates that this missense variant is not expected to disrupt BACH2 protein function with a negative predictive value of 80%. In summary, the available evidence is currently insufficient to determine the role of this variant in disease. Therefore, it has been classified as a Variant of Uncertain Significance.

NM_021813.4(BACH2):c.2326C>T (p.Pro776Ser)

Gene: BACH2 (BACH transcriptional regulator 2; minus strand). Cytogenetic location: 6q15.
Variant type: single nucleotide variant.
Coding change: c.2326C>T on transcript NM_021813.4 (MANE Select); coding-DNA position 2326, C replaced by T.
Protein change: p.Pro776Ser; replaces proline 776 with serine.
Molecular consequence: missense variant.
Genome position (GRCh38, 1-based): chr6:89,932,608, G>A on the plus strand (C>T on the coding strand, the complement: BACH2 is on the minus strand). VCF-style: chr6-89932608-G-A. GRCh37 (hg19) VCF-style: chr6-90642327-G-A.
Other names: c.2326C>T, p.Pro776Ser (NM_001170794.2); short protein forms P776S.
Identifiers: ClinVar variation 4769950 (VCV004769950.1).